The following is an entry in ClinVar:

NM_148919.4(PSMB8):c.371G>C (p.Cys124Ser)

Gene: PSMB8 (proteasome 20S subunit beta 8; minus strand). Cytogenetic location: 6p21.32.
Variant type: single nucleotide variant.
Coding change: c.371G>C on transcript NM_148919.4 (MANE Select); coding-DNA position 371, G replaced by C.
Protein change: p.Cys124Ser; replaces cysteine 124 with serine.
Molecular consequence: missense variant.
Genome position (GRCh38, 1-based): chr6:32,842,708, C>G on the plus strand (G>C on the coding strand, the complement: PSMB8 is on the minus strand). VCF-style: chr6-32842708-C-G. GRCh37 (hg19) VCF-style: chr6-32810485-C-G.
Other names: c.359G>C, p.Cys120Ser (LRG_1328t2, NM_004159.5); c.371G>C, p.Cys124Ser (LRG_1328t1); short protein forms C124S, C120S.
Identifiers: ClinVar variation 649739 (VCV000649739.9), dbSNP rs767636318, ClinGen allele CA3746403.

ClinVar aggregate classification (germline): Uncertain significance (1 of 4 stars; one submission).

Conditions:
Proteosome-associated autoinflammatory syndrome. Also called: Proteasome-associated autoinflammatory syndrome. Identifiers: Orphanet 324977, MedGen C1850568, MONDO:0009726.

Allele frequency attached by ClinVar (database versions not stated): ExAC 0.00001; gnomAD exomes 0.00001; TOPMed 0.00001.
gnomAD v4.1: 27 of 1,614,220 alleles (0.0017%); highest among the groups gnomAD compares: Non-Finnish European, 0.0021%; no homozygotes.

Submission:

Labcorp Genetics (formerly Invitae), Labcorp
Classification: Uncertain significance for Proteosome-associated autoinflammatory syndrome. Last evaluated: 2026-01-26. Review status: criteria provided, single submitter. Criteria: Invitae Variant Classification Sherloc (09022015). Collection method: clinical testing. Allele origin: germline.
Comment: This sequence change replaces cysteine, which is neutral and slightly polar, with serine, which is neutral and polar, at codon 124 of the PSMB8 protein (p.Cys124Ser). This variant is present in population databases (rs767636318, gnomAD 0.0009%). This variant has not been reported in the literature in individuals affected with PSMB8-related conditions. ClinVar contains an entry for this variant (Variation ID: 649739). Invitae Evidence Modeling of protein sequence and biophysical properties (such as structural, functional, and spatial information, amino acid conservation, physicochemical variation, residue mobility, and thermodynamic stability) has been performed for this missense variant. However, the output from this modeling did not meet the statistical confidence thresholds required to predict the impact of this variant on PSMB8 protein function. In summary, the available evidence is currently insufficient to determine the role of this variant in disease. Therefore, it has been classified as a Variant of Uncertain Significance.